The following is an entry in ClinVar:

ClinVar aggregate classification (germline): Uncertain significance (1 of 4 stars; one submission).

Submission:

Labcorp Genetics (formerly Invitae), Labcorp
Classification: Uncertain significance. Last evaluated: 2025-12-18. Review status: criteria provided, single submitter. Criteria: Invitae Variant Classification Sherloc (09022015). Collection method: clinical testing. Allele origin: germline.
Comment: This sequence change replaces arginine, which is basic and polar, with tryptophan, which is neutral and slightly polar, at codon 382 of the CRAT protein (p.Arg382Trp). This variant is not present in population databases (gnomAD no frequency). This variant has not been reported in the literature in individuals affected with CRAT-related conditions. Invitae Evidence Modeling of protein sequence and biophysical properties (such as structural, functional, and spatial information, amino acid conservation, physicochemical variation, residue mobility, and thermodynamic stability) indicates that this missense variant is not expected to disrupt CRAT protein function with a negative predictive value of 80%. In summary, the available evidence is currently insufficient to determine the role of this variant in disease. Therefore, it has been classified as a Variant of Uncertain Significance.

NM_000755.5(CRAT):c.1144C>T (p.Arg382Trp)

Gene: CRAT (carnitine O-acetyltransferase; minus strand). Cytogenetic location: 9q34.11.
Variant type: single nucleotide variant.
Coding change: c.1144C>T on transcript NM_000755.5 (MANE Select); coding-DNA position 1144, C replaced by T.
Protein change: p.Arg382Trp; replaces arginine 382 with tryptophan.
Molecular consequence: missense variant.
Genome position (GRCh38, 1-based): chr9:129,098,592, G>A on the plus strand (C>T on the coding strand, the complement: CRAT is on the minus strand). VCF-style: chr9-129098592-G-A. GRCh37 (hg19) VCF-style: chr9-131860871-G-A.
Other names: c.1081C>T, p.Arg361Trp (NM_001257363.3, NM_001346548.2, NM_004003.4); c.1147C>T, p.Arg383Trp (NM_001346546.2); c.1144C>T, p.Arg382Trp (NM_001346547.2); c.1024C>T, p.Arg342Trp (NM_001346549.2); short protein forms R342W, R361W, R382W, R383W.
Identifiers: ClinVar variation 4775355 (VCV004775355.1).
Genomic context (GRCh38, chr9:129,098,592, plus strand): 5'-TGCTGAGGTTCTGCTTGGCCTTCTCGATGTCGCTCTTGATCTCGGGGGTGATGTTGAACC[G>A]CAGCTTCTTGGGCATGGGCAGGGGCACCAGGGGAGACCGCACAAGCTCGGGTTTCTTCCT-3'
Protein context (NP_000746.3, residues 372-392): LVPLPMPKKL[Arg382Trp]FNITPEIKSD